The following is an entry in ClinVar:

ClinVar aggregate classification (germline): Uncertain significance (1 of 4 stars; one submission).

gnomAD v4.1: 11 of 1,613,858 alleles (0.00068%); highest among the groups gnomAD compares: South Asian, 0.012%; no homozygotes.

Submission:

GeneDx
Classification: Uncertain significance. Last evaluated: 2025-02-24. Review status: criteria provided, single submitter. Criteria: GeneDx Variant Classification Process June 2021. Collection method: clinical testing. Allele origin: germline. Affected: yes.
Comment: Has not been previously published as pathogenic or benign to our knowledge; Not observed at significant frequency in large population cohorts (gnomAD); In silico analysis indicates that this missense variant does not alter protein structure/function; This variant is associated with the following publications: (PMID: 19926015)

NM_001035.3(RYR2):c.5573A>T (p.Glu1858Val)

Gene: RYR2 (ryanodine receptor 2; plus strand). Cytogenetic location: 1q43.
Variant type: single nucleotide variant.
Coding change: c.5573A>T on transcript NM_001035.3 (MANE Select); coding-DNA position 5573, A replaced by T.
Protein change: p.Glu1858Val; replaces glutamic acid 1858 with valine.
Molecular consequence: missense variant.
Genome position (GRCh38, 1-based): chr1:237,614,701, A>T. VCF-style: chr1-237614701-A-T. GRCh37 (hg19) VCF-style: chr1-237778001-A-T.
Other names: short protein forms E1858V.
Identifiers: ClinVar variation 4076812 (VCV004076812.1).